The following is an entry in ClinVar:

NM_025179.4(PLXNA2):c.3651C>T (p.Gly1217=)

Gene: PLXNA2 (plexin A2; minus strand). Cytogenetic location: 1q32.2.
Variant type: single nucleotide variant.
Coding change: c.3651C>T on transcript NM_025179.4 (MANE Select); coding-DNA position 3651, C replaced by T.
Protein change: p.Gly1217=; no amino-acid change (glycine 1217 retained).
Molecular consequence: synonymous variant.
Genome position (GRCh38, 1-based): chr1:208,044,731, G>A on the plus strand (C>T on the coding strand, the complement: PLXNA2 is on the minus strand). VCF-style: chr1-208044731-G-A. GRCh37 (hg19) VCF-style: chr1-208218076-G-A.
Other names: c.3651C>T (NM_025179.3).
Identifiers: ClinVar variation 2978750 (VCV002978750.4), dbSNP rs545856112, ClinGen allele CA1373102.

ClinVar aggregate classification (germline): Conflicting classifications of pathogenicity. Review status: criteria provided, conflicting classifications (1 of 4 stars). 2 submissions from 2 submitters: Uncertain significance (1); Likely benign (1). Last evaluated 2025-06-30.

Conditions:
PLXNA2-related disorder. Also called: PLXNA2-related condition.

Allele frequency attached by ClinVar (database versions not stated): gnomAD exomes 0.00001; 1000 Genomes Project 30x 0.00016; 1000 Genomes Project 0.00020.
gnomAD v4.1: 20 of 1,613,054 alleles (0.0012%); highest among the groups gnomAD compares: South Asian, 0.0044%; no homozygotes.

Submissions (2):

PreventionGenetics, part of Exact Sciences
Classification: Likely benign for PLXNA2-related condition. Last evaluated: 2025-06-30. Review status: criteria provided, single submitter. Criteria: ACMG Guidelines, 2015. Collection method: clinical testing. Allele origin: germline.
Comment: This variant is classified as likely benign based on ACMG/AMP sequence variant interpretation guidelines (Richards et al. 2015 PMID: 25741868, with internal and published modifications).

Labcorp Genetics (formerly Invitae), Labcorp
Classification: Uncertain significance. Last evaluated: 2024-03-27. Review status: criteria provided, single submitter. Criteria: Invitae Variant Classification Sherloc (09022015). Collection method: clinical testing. Allele origin: germline.
Comment: This sequence change affects codon 1217 of the PLXNA2 mRNA. It is a 'silent' change, meaning that it does not change the encoded amino acid sequence of the PLXNA2 protein. This variant is present in population databases (rs545856112, gnomAD 0.007%). This variant has not been reported in the literature in individuals affected with PLXNA2-related conditions. Algorithms developed to predict the effect of sequence changes on RNA splicing suggest that this variant may disrupt the consensus splice site. In summary, the available evidence is currently insufficient to determine the role of this variant in disease. Therefore, it has been classified as a Variant of Uncertain Significance.